The following is an entry in ClinVar:

ClinVar aggregate classification (germline): Uncertain significance (1 of 4 stars; one submission).

Conditions:
Cerebral cavernous malformation (CCM). Also called: Cavernous Hemangioma of Brain; CAVERNOUS ANGIOMA, FAMILIAL; CAVERNOUS ANGIOMATOUS MALFORMATIONS; CEREBRAL CAPILLARY MALFORMATIONS; Cerebral cavernous malformations; Cerebral cavernous hemangioma (type). Identifiers: Orphanet 221061, MedGen C2919945, MONDO:0000820, OMIM 116860, HP:0033522.

Submission:

Centre for Mendelian Genomics, University Medical Centre Ljubljana
Classification: Uncertain significance for Cerebral cavernous malformation. Last evaluated: 2019-02-28. Review status: criteria provided, single submitter. Criteria: ACMG Guidelines, 2015. Collection method: clinical testing. Allele origin: unknown. Affected: yes.
Comment: This variant was classified as: Uncertain significance. The available evidence on this variant's pathogenicity is insufficient or conflicting. The following ACMG criteria were applied in classifying this variant: PM2,PP3.

NM_194454.3(KRIT1):c.68T>G (p.Leu23Arg)

Gene: KRIT1 (KRIT1 ankyrin repeat containing; minus strand). Cytogenetic location: 7q21.2.
Variant type: single nucleotide variant.
Coding change: c.68T>G on transcript NM_194454.3 (MANE Select); coding-DNA position 68, T replaced by G.
Protein change: p.Leu23Arg; replaces leucine 23 with arginine.
Molecular consequence: missense variant. On other transcripts: 5 prime UTR variant (1).
Genome position (GRCh38, 1-based): chr7:92,242,068, A>C on the plus strand (T>G on the coding strand, the complement: KRIT1 is on the minus strand). VCF-style: chr7-92242068-A-C. GRCh37 (hg19) VCF-style: chr7-91871382-A-C.
Other names: c.68T>G, p.Leu23Arg (NM_001013406.2, NM_001350669.1, NM_001350670.1 and 29 more transcripts); c.-516T>G (NM_001350671.1); short protein forms L23R.
Identifiers: ClinVar variation 931492 (VCV000931492.3), dbSNP rs1799792039, ClinGen allele CA368167135.